The following is an entry in ClinVar:

NM_000089.4(COL1A2):c.1418T>A (p.Ile473Asn)

Gene: COL1A2 (collagen type I alpha 2 chain; plus strand). Cytogenetic location: 7q21.3.
Variant type: single nucleotide variant.
Coding change: c.1418T>A on transcript NM_000089.4 (MANE Select); coding-DNA position 1418, T replaced by A.
Protein change: p.Ile473Asn; replaces isoleucine 473 with asparagine.
Molecular consequence: missense variant.
Genome position (GRCh38, 1-based): chr7:94,412,597, T>A. VCF-style: chr7-94412597-T-A. GRCh37 (hg19) VCF-style: chr7-94041909-T-A.
Other names: short protein forms I473N.
Identifiers: ClinVar variation 1690425 (VCV001690425.2), dbSNP rs763967575, ClinGen allele CA368221818.

ClinVar aggregate classification (germline): Uncertain significance (1 of 4 stars; one submission).

Submission:

Laboratorio de Genetica e Diagnostico Molecular, Hospital Israelita Albert Einstein
Classification: Uncertain significance. Last evaluated: 2021-08-11. Review status: criteria provided, single submitter. Criteria: ACMG Guidelines, 2015. Collection method: clinical testing. Allele origin: germline. Affected: yes.
Comment: ACMG classification criteria: PM2